The following is an entry in ClinVar:

NM_001256789.3(CACNA1F):c.4588+7G>A

Genes: CACNA1F (calcium voltage-gated channel subunit alpha1 F; minus strand), LOC126863257 (BRD4-independent group 4 enhancer GRCh37_chrX:49065732-49066931; plus strand). Cytogenetic location: Xp11.23.
Variant type: single nucleotide variant.
Coding change: c.4588+7G>A on transcript NM_001256789.3 (MANE Select); 7 bases into the intron after coding-DNA position 4588, G replaced by A.
Molecular consequence: intron variant.
Genome position (GRCh38, 1-based): chrX:49,210,294, C>T on the plus strand (G>A on the coding strand, the complement: CACNA1F is on the minus strand). VCF-style: chrX-49210294-C-T. GRCh37 (hg19) VCF-style: chrX-49066754-C-T.
Other names: c.4621+7G>A (NM_005183.3, NM_005183.4); c.4426+7G>A (NM_001256790.3).
Identifiers: ClinVar variation 1127056 (VCV001127056.11), dbSNP rs371508177, ClinGen allele CA10410167.

ClinVar aggregate classification (germline): Likely benign. Review status: criteria provided, multiple submitters, no conflicts (2 of 4 stars). 3 submissions from 3 submitters: Likely benign (3). Last evaluated 2026-07-28.

Conditions:
CACNA1F-related disorder. Also called: CACNA1F-related condition.

Allele frequency attached by ClinVar (database versions not stated): TOPMed 0.00006; gnomAD 0.00008 and 0.00009; gnomAD exomes 0.00009 and 0.00011; ExAC 0.00010; ESP Exome Variant Server 0.00038.
gnomAD v4.1: 125 of 1,171,084 alleles (0.011%); highest among the groups gnomAD compares: Non-Finnish European, 0.014%; no homozygotes.

Submissions (3):

PreventionGenetics, part of Exact Sciences
Classification: Likely benign for CACNA1F-related condition. Last evaluated: 2026-07-28. Review status: criteria provided, single submitter. Criteria: ACMG Guidelines, 2015. Collection method: clinical testing. Allele origin: germline.
Comment: This variant is classified as likely benign based on ACMG/AMP sequence variant interpretation guidelines (Richards et al. 2015 PMID: 25741868, with internal and published modifications).

Blueprint Genetics
Classification: Likely benign. Last evaluated: 2024-06-10. Review status: criteria provided, single submitter. Criteria: ACMG Guidelines, 2015. Collection method: clinical testing. Allele origin: germline.

Labcorp Genetics (formerly Invitae), Labcorp
Classification: Likely benign. Last evaluated: 2021-02-12. Review status: criteria provided, single submitter. Criteria: Invitae Variant Classification Sherloc (09022015). Collection method: clinical testing. Allele origin: germline.